The following is an entry in ClinVar:

NM_022124.6(CDH23):c.490G>A (p.Gly164Arg)

Gene: CDH23 (cadherin related 23; plus strand). Cytogenetic location: 10q22.1.
Variant type: single nucleotide variant.
Coding change: c.490G>A on transcript NM_022124.6 (MANE Select); coding-DNA position 490, G replaced by A.
Protein change: p.Gly164Arg; replaces glycine 164 with arginine.
Molecular consequence: missense variant.
Genome position (GRCh38, 1-based): chr10:71,566,802, G>A. VCF-style: chr10-71566802-G-A. GRCh37 (hg19) VCF-style: chr10-73326559-G-A.
Other names: c.490G>A, p.Gly164Arg (NM_001171930.2, NM_001171931.2, NM_001171932.2 and 1 more transcripts); short protein forms G164R.
Identifiers: ClinVar variation 1521505 (VCV001521505.3), dbSNP rs983281489, ClinGen allele CA377111883.

ClinVar aggregate classification (germline): Uncertain significance (1 of 4 stars; one submission).

gnomAD v4.1: 1 of 1,612,990 alleles (0.000062%); no homozygotes.

Submission:

Labcorp Genetics (formerly Invitae), Labcorp
Classification: Uncertain significance. Last evaluated: 2021-09-26. Review status: criteria provided, single submitter. Criteria: Invitae Variant Classification Sherloc (09022015). Collection method: clinical testing. Allele origin: germline.
Comment: This sequence change replaces glycine with arginine at codon 164 of the CDH23 protein (p.Gly164Arg). The glycine residue is highly conserved and there is a moderate physicochemical difference between glycine and arginine. This variant is not present in population databases (ExAC no frequency). This variant has not been reported in the literature in individuals affected with CDH23-related conditions. Algorithms developed to predict the effect of missense changes on protein structure and function are either unavailable or do not agree on the potential impact of this missense change (SIFT: "Deleterious"; PolyPhen-2: "Not Available"; Align-GVGD: "Class C15"). In summary, the available evidence is currently insufficient to determine the role of this variant in disease. Therefore, it has been classified as a Variant of Uncertain Significance.